The following is an entry in ClinVar:

ClinVar aggregate classification (germline): Uncertain significance (1 of 4 stars; one submission).

Submission:

Labcorp Genetics (formerly Invitae), Labcorp
Classification: Uncertain significance. Last evaluated: 2024-06-18. Review status: criteria provided, single submitter. Criteria: Invitae Variant Classification Sherloc (09022015). Collection method: clinical testing. Allele origin: germline.
Comment: This sequence change replaces glycine, which is neutral and non-polar, with cysteine, which is neutral and slightly polar, at codon 18 of the FZD4 protein (p.Gly18Cys). This variant is not present in population databases (gnomAD no frequency). This variant has not been reported in the literature in individuals affected with FZD4-related conditions. Advanced modeling of protein sequence and biophysical properties (such as structural, functional, and spatial information, amino acid conservation, physicochemical variation, residue mobility, and thermodynamic stability) performed at Invitae indicates that this missense variant is not expected to disrupt FZD4 protein function with a negative predictive value of 80%. In summary, the available evidence is currently insufficient to determine the role of this variant in disease. Therefore, it has been classified as a Variant of Uncertain Significance.

NM_012193.4(FZD4):c.52G>T (p.Gly18Cys)

Gene: FZD4 (frizzled class receptor 4; minus strand). Cytogenetic location: 11q14.2.
Variant type: single nucleotide variant.
Coding change: c.52G>T on transcript NM_012193.4 (MANE Select); coding-DNA position 52, G replaced by T.
Protein change: p.Gly18Cys; replaces glycine 18 with cysteine.
Molecular consequence: missense variant.
Genome position (GRCh38, 1-based): chr11:86,955,034, C>A on the plus strand (G>T on the coding strand, the complement: FZD4 is on the minus strand). VCF-style: chr11-86955034-C-A. GRCh37 (hg19) VCF-style: chr11-86666076-C-A.
Other names: short protein forms G18C.
Identifiers: ClinVar variation 3656340 (VCV003656340.2).